The following is an entry in ClinVar:

ClinVar aggregate classification (germline): Uncertain significance (1 of 4 stars; one submission).

Conditions:
Kabuki syndrome. Also called: Kabuki make-up syndrome; NIIKAWA-KUROKI SYNDROME. Identifiers: Orphanet 2322, MedGen C0796004, MONDO:0016512.

Submission:

Labcorp Genetics (formerly Invitae), Labcorp
Classification: Uncertain significance for Kabuki syndrome. Last evaluated: 2022-11-01. Review status: criteria provided, single submitter. Criteria: Invitae Variant Classification Sherloc (09022015). Collection method: clinical testing. Allele origin: germline.
Comment: This variant has not been reported in the literature in individuals affected with KMT2D-related conditions. In summary, the available evidence is currently insufficient to determine the role of this variant in disease. Therefore, it has been classified as a Variant of Uncertain Significance. Advanced modeling of protein sequence and biophysical properties (such as structural, functional, and spatial information, amino acid conservation, physicochemical variation, residue mobility, and thermodynamic stability) performed at Invitae indicates that this missense variant is not expected to disrupt KMT2D protein function. This variant is not present in population databases (gnomAD no frequency). This sequence change replaces leucine, which is neutral and non-polar, with valine, which is neutral and non-polar, at codon 2850 of the KMT2D protein (p.Leu2850Val).

NM_003482.4(KMT2D):c.8548C>G (p.Leu2850Val)

Gene: KMT2D (lysine methyltransferase 2D; minus strand). Cytogenetic location: 12q13.12.
Variant type: single nucleotide variant.
Coding change: c.8548C>G on transcript NM_003482.4 (MANE Select); coding-DNA position 8548, C replaced by G.
Protein change: p.Leu2850Val; replaces leucine 2850 with valine.
Molecular consequence: missense variant.
Genome position (GRCh38, 1-based): chr12:49,038,808, G>C on the plus strand (C>G on the coding strand, the complement: KMT2D is on the minus strand). VCF-style: chr12-49038808-G-C. GRCh37 (hg19) VCF-style: chr12-49432591-G-C.
Other names: short protein forms L2850V.
Identifiers: ClinVar variation 2131987 (VCV002131987.4), dbSNP rs1036855698, ClinGen allele CA384741871.